The following is an entry in ClinVar:

NM_198252.3(GSN):c.351+1G>A

Gene: GSN (gelsolin; plus strand). Cytogenetic location: 9q33.2.
Variant type: single nucleotide variant.
Coding change: c.351+1G>A on transcript NM_198252.3 (MANE Select); the canonical splice donor site of the intron after coding-DNA position 351, G replaced by A.
Molecular consequence: splice donor variant.
Genome position (GRCh38, 1-based): chr9:121,303,066, G>A. VCF-style: chr9-121303066-G-A. GRCh37 (hg19) VCF-style: chr9-124065344-G-A.
Other names: c.351+1G>A (NM_001353054.1, NM_001353053.1, NM_001353060.2 and 10 more transcripts); c.384+1G>A (NM_001353064.2, NM_001353066.2, NM_001353073.2 and 13 more transcripts); c.459+1G>A (NM_001127663.2); c.423+1G>A (NM_001353076.2); c.-304+1G>A (NM_001353078.2); c.402+1G>A (NM_001258029.2); c.375+1G>A (NM_001258030.2); c.504+1G>A (NM_000177.5).
Identifiers: ClinVar variation 2617644 (VCV002617644.2), dbSNP rs1564486884, ClinGen allele CA374734921.
Genomic context (GRCh38, chr9:121,303,066, plus strand): 5'-GTCCAGGGCTTCGAGTCGGCCACCTTCCTAGGCTACTTCAAGTCTGGCCTGAAGTACAAG[G>A]TGGGTTGGGCCCCACCTTGCTTGAGCGGTAGGGACAGATGCACCAGTAACAGGGCTCACT-3'

ClinVar aggregate classification (germline): Uncertain significance (1 of 4 stars; one submission).

Conditions:
Inborn genetic diseases. Identifiers: MedGen C0950123, MeSH D030342.

Allele frequency attached by ClinVar (database versions not stated): gnomAD exomes below 0.00001.

Submission:

Ambry Genetics
Classification: Uncertain significance for Inborn genetic diseases. Last evaluated: 2023-08-24. Review status: criteria provided, single submitter. Criteria: Ambry Variant Classification Scheme 2023. Collection method: clinical testing. Allele origin: germline.
Comment: Loss of function has not been established as a mechanism of disease Based on insufficient or conflicting evidence, the clinical significance of this alteration remains unclear.